The following is an entry in ClinVar:

ClinVar aggregate classification (germline): Benign (1 of 4 stars; one submission).

Conditions:
Hartsfield-Bixler-Demyer syndrome (HRTFDS). Also called: FGFR1-Related Hartsfield Syndrome; Holoprosencephaly, ectrodactyly, and bilateral cleft lip/palate; Hartsfield syndrome. Identifiers: Orphanet 2117, MedGen C1845146, MONDO:0014196, OMIM 615465. Disease mechanism: loss of function.

gnomAD v4.1: 1 of 1,614,188 alleles (0.000062%); highest among the groups gnomAD compares: Non-Finnish European, 0.000085%; no homozygotes.

Submission:

Muenke lab, National Institutes of Health
Classification: Benign for Hartsfield-Bixler-Demyer syndrome. Last evaluated: 2018-02-26. Review status: criteria provided, single submitter. Criteria: Submitter's publication. Collection method: research. Allele origin: de novo. Inheritance: Autosomal dominant inheritance. Affected: yes. Observed: 1 variant allele, 1 heterozygote.
Comment: Functional studies in zebrafish are normal.

NM_023110.3(FGFR1):c.454G>A (p.Ala152Thr)

Gene: FGFR1 (fibroblast growth factor receptor 1; minus strand). Cytogenetic location: 8p11.23.
Variant type: single nucleotide variant.
Coding change: c.454G>A on transcript NM_023110.3 (MANE Select); coding-DNA position 454, G replaced by A.
Protein change: p.Ala152Thr; replaces alanine 152 with threonine.
Molecular consequence: missense variant.
Genome position (GRCh38, 1-based): chr8:38,428,088, C>T on the plus strand (G>A on the coding strand, the complement: FGFR1 is on the minus strand). VCF-style: chr8-38428088-C-T. GRCh37 (hg19) VCF-style: chr8-38285606-C-T.
Other names: c.454G>A, p.Ala152Thr (NM_001174063.2); c.430G>A, p.Ala144Thr (NM_001174064.2); c.448G>A, p.Ala150Thr (NM_001174065.2, NM_001354367.2, NM_001354369.2 and 1 more transcripts); c.187G>A, p.Ala63Thr (NM_001174066.2, NM_023105.3); c.547G>A, p.Ala183Thr (NM_001174067.2); c.181G>A, p.Ala61Thr (NM_001354368.2, NM_001354370.2, NM_023106.3); short protein forms A152T, A150T, A61T, A183T, A63T, A144T.
Identifiers: ClinVar variation 522557 (VCV000522557.3), dbSNP rs1033377277, ClinGen allele CA370735875.